The following is an entry in ClinVar:

NM_000552.5(VWF):c.3738_3760del (p.Pro1247fs)

Gene: VWF (von Willebrand factor; minus strand). Cytogenetic location: 12p13.31.
Variant type: Deletion.
Coding change: c.3738_3760del on transcript NM_000552.5 (MANE Select); coding-DNA positions 3738 to 3760, 23 bases deleted (TCCCACAGATGCCCCGGTGAGCC).
Protein change: p.Pro1247fs; shifts the reading frame from proline 1247.
Molecular consequence: frameshift variant.
Genome position (GRCh38, 1-based): chr12:6,019,658-6,019,680, GGCTCACCGGGGCATCTGTGGGA deleted on the plus strand (TCCCACAGATGCCCCGGTGAGCC on the coding strand, the reverse complement: VWF is on the minus strand); deleting any 23 consecutive bases within chr12:6,019,658-6,019,683 gives the same sequence; the c. name uses the placement nearest the transcript's 3' end. VCF-style (leftmost placement, unchanged base first): chr12-6019657-GGGCTCACCGGGGCATCTGTGGGA-G. GRCh37 (hg19) VCF-style: chr12-6128823-GGGCTCACCGGGGCATCTGTGGGA-G.
Other names: c.3738_3760del23 (NM_000552.5); short protein forms P1247fs.
Identifiers: ClinVar variation 3384944 (VCV003384944.1).
Genomic context (GRCh38, chr12:6,019,657, plus strand): 5'-CTGCTGCAGTAGAAATCGTGCAACGGCGGTTCCGAGATGTCCTCCACATACAGAGTGGTG[GGGCTCACCGGGGCATCTGTGGGA>G]GGCACCACCAGGCCTCCCGGCTCCTGGCAGGCTTCACAGGTGAGGTTGACAACATCACAG-3'

ClinVar aggregate classification (germline): Pathogenic (1 of 4 stars; one submission).

Conditions:
von Willebrand disorder (VWD). Also called: von Willebrand Diseases; Von Willebrand disease (hereditary or acquired); von Willebrand's disease. Identifiers: MedGen C0042974, MeSH D014842, MONDO:0024574.

Submission:

Women's Health and Genetics/Laboratory Corporation of America, LabCorp
Classification: Pathogenic for von Willebrand disorder. Last evaluated: 2024-10-04. Review status: criteria provided, single submitter. Criteria: LabCorp Variant Classification Summary - May 2015. Collection method: clinical testing. Allele origin: germline.
Comment: Variant summary: VWF c.3738_3760del23 (p.Pro1247HisfsX38) results in a premature termination codon, predicted to cause absence of the protein due to nonsense mediated decay, which is a commonly known mechanism for disease. The variant allele was found at a frequency of 4e-06 in 247400 control chromosomes (gnomAD). To our knowledge, no occurrence of c.3738_3760del23 in individuals affected with Von Willebrand Disease and no experimental evidence demonstrating its impact on protein function have been reported. No submitters have cited clinical-significance assessments for this variant to ClinVar. Based on the evidence outlined above, the variant was classified as pathogenic.